The following is an entry in ClinVar:

ClinVar aggregate classification (germline): Uncertain significance (1 of 4 stars; one submission).

Conditions:
Feingold syndrome type 1 (FGLDS1). Also called: MICROCEPHALY, MENTAL RETARDATION, AND TRACHEOESOPHAGEAL FISTULA SYNDROME; MICROCEPHALY-OCULO-DIGITO-ESOPHAGEAL-DUODENAL SYNDROME; OCULODIGITOESOPHAGODUODENAL SYNDROME; ODED SYNDROME; MICROCEPHALY AND DIGITAL ABNORMALITIES WITH NORMAL INTELLIGENCE. Identifiers: Orphanet 1305, Orphanet 391641, MedGen C4551774, MONDO:0008115, OMIM 164280.

Submission:

3billion
Classification: Uncertain significance for Feingold syndrome type 1. Last evaluated: 2022-09-01. Review status: criteria provided, single submitter. Criteria: ACMG Guidelines, 2015. Collection method: clinical testing. Allele origin: germline. Affected: yes. Observed: 1 heterozygote.
Comment: This missense variant is not observed in the gnomAD v2.1.1 dataset. In silico tool predictions suggest damaging effect of the variant on gene or gene product (REVEL: 0.83; 3Cnet: 0.30). Therefore, this variant is classified as uncertain significance according to the recommendation of ACMG/AMP guideline.

NM_005378.6(MYCN):c.1319T>C (p.Leu440Pro)

Gene: MYCN (MYCN proto-oncogene, bHLH transcription factor; plus strand). Cytogenetic location: 2p24.3.
Variant type: single nucleotide variant.
Coding change: c.1319T>C on transcript NM_005378.6 (MANE Select); coding-DNA position 1319, T replaced by C.
Protein change: p.Leu440Pro; replaces leucine 440 with proline.
Molecular consequence: missense variant. On other transcripts: 3 prime UTR variant (1).
Genome position (GRCh38, 1-based): chr2:15,946,021, T>C. VCF-style: chr2-15946021-T-C. GRCh37 (hg19) VCF-style: chr2-16086143-T-C.
Other names: c.1319T>C, p.Leu440Pro (NM_001293228.2); c.686T>C, p.Leu229Pro (NM_001293231.2); c.*1254T>C (NM_001293233.2); short protein forms L229P, L440P.
Identifiers: ClinVar variation 1705449 (VCV001705449.1), dbSNP rs2527939170, ClinGen allele CA345932756.